The following is an entry in ClinVar:

NM_032357.4(VMA22):c.183C>T (p.Ser61=)

Gene: VMA22 (vacuolar ATPase assembly factor VMA22; minus strand). Cytogenetic location: 2q21.1.
Variant type: single nucleotide variant.
Coding change: c.183C>T on transcript NM_032357.4 (MANE Select); coding-DNA position 183, C replaced by T.
Protein change: p.Ser61=; no amino-acid change (serine 61 retained).
Molecular consequence: synonymous variant. On other transcripts: non-coding transcript variant (2).
Genome position (GRCh38, 1-based): chr2:130,341,873, G>A on the plus strand (C>T on the coding strand, the complement: VMA22 is on the minus strand). VCF-style: chr2-130341873-G-A. GRCh37 (hg19) VCF-style: chr2-131099446-G-A.
Other names: c.183C>T (NM_032357.3); c.168C>T, p.Ser56= (NM_001321118.1); c.159C>T, p.Ser53= (NM_001321119.2).
Identifiers: ClinVar variation 4788795 (VCV004788795.2).

ClinVar aggregate classification (germline): Likely benign. Review status: criteria provided, multiple submitters, no conflicts (2 of 4 stars). 2 submissions from 2 submitters: Likely benign (2). Last evaluated 2026-05-21.

Conditions:
VMA22-related condition.

gnomAD v4.1: 12 of 1,612,074 alleles (0.00074%); highest among the groups gnomAD compares: African/African-American, 0.015%; no homozygotes.

Submissions (2):

PreventionGenetics, part of Exact Sciences
Classification: Likely benign for VMA22-related condition. Last evaluated: 2026-05-21. Review status: criteria provided, single submitter. Criteria: ACMG Guidelines, 2015. Collection method: clinical testing. Allele origin: germline.
Comment: This variant is classified as likely benign based on ACMG/AMP sequence variant interpretation guidelines (Richards et al. 2015 PMID: 25741868, with internal and published modifications).

Labcorp Genetics (formerly Invitae), Labcorp
Classification: Likely benign. Last evaluated: 2026-01-15. Review status: criteria provided, single submitter. Criteria: Invitae Variant Classification Sherloc (09022015). Collection method: clinical testing. Allele origin: germline.